The following is an entry in ClinVar:

NM_000238.4(KCNH2):c.1797C>A (p.Ser599Arg)

Gene: KCNH2 (potassium voltage-gated channel subfamily H member 2; minus strand). Cytogenetic location: 7q36.1.
Variant type: single nucleotide variant.
Coding change: c.1797C>A on transcript NM_000238.4 (MANE Select); coding-DNA position 1797, C replaced by A.
Protein change: p.Ser599Arg; replaces serine 599 with arginine.
Molecular consequence: missense variant.
Genome position (GRCh38, 1-based): chr7:150,951,596, G>T on the plus strand (C>A on the coding strand, the complement: KCNH2 is on the minus strand). VCF-style: chr7-150951596-G-T. GRCh37 (hg19) VCF-style: chr7-150648684-G-T.
Other names: c.1797C>A (LRG_288t1); c.777C>A, p.Ser259Arg (NM_001204798.2, NM_172057.3); c.1509C>A, p.Ser503Arg (NM_001406753.1, NM_001406756.1); c.1620C>A, p.Ser540Arg (NM_001406755.1); c.1497C>A, p.Ser499Arg (NM_001406757.1); c.1797C>A, p.Ser599Arg (NM_172056.3); short protein forms S259R, S599R, S540R, S499R, S503R.
Identifiers: ClinVar variation 67278 (VCV000067278.4), dbSNP rs199472935, ClinGen allele CA005518.

ClinVar aggregate classification (germline): Uncertain significance. Review status: criteria provided, single submitter (1 of 4 stars). 2 submissions from 2 submitters: Uncertain significance (1). 1 of the submissions does not count toward it. Last evaluated 2019-04-22.

Conditions:
Cardiovascular phenotype. Identifiers: MedGen CN230736.
Familial long QT syndrome (RWS). Also called: Congenital long QT syndrome; Romano-Ward syndrome; VENTRICULAR FIBRILLATION WITH PROLONGED QT INTERVAL. Identifiers: Orphanet 768, MedGen C1141890, MONDO:0019171.

Submissions (2):

Ambry Genetics
Classification: Uncertain significance for Cardiovascular phenotype. Last evaluated: 2019-04-22. Review status: criteria provided, single submitter. Criteria: Ambry Variant Classification Scheme 2023. Collection method: clinical testing. Allele origin: germline.

Cardiovascular Biomedical Research Unit, Royal Brompton & Harefield NHS Foundation Trust
No classification provided. Condition: Familial long QT syndrome. Review status: no classification provided. Collection method: literature only. Allele origin: germline. Not counted in ClinVar's aggregate classification.
Comment: This variant has been reported as associated with Long QT syndrome in the following publications (PMID:19716085). This is a literature report, and does not necessarily reflect the clinical interpretation of the Imperial College / Royal Brompton Cardiovascular Genetics laboratory.

Literature cited by the submitters: PubMed 19716085 (cited by Cardiovascular Biomedical Research Unit, Royal Brompton & Harefield NHS Foundation Trust); PubMed 22581653 (cited by Cardiovascular Biomedical Research Unit, Royal Brompton & Harefield NHS Foundation Trust).